The following is an entry in ClinVar:

ClinVar aggregate classification (germline): Pathogenic/Likely pathogenic. Review status: criteria provided, multiple submitters, no conflicts (2 of 4 stars). 4 submissions from 4 submitters: Pathogenic (1); Likely pathogenic (3). Last evaluated 2024-09-13.

Conditions:
PKD1-related disorder. Also called: PKD1-related condition.
Polycystic kidney disease, adult type (PKD1). Also called: Polycystic Kidney Disease 1, Autosomal Dominant; Polycystic kidney disease 1; Polycystic kidney disease 1, severe; POLYCYSTIC KIDNEY DISEASE 1 WITH OR WITHOUT POLYCYSTIC LIVER DISEASE; POLYCYSTIC KIDNEY DISEASE, ADULT, TYPE I; Polycystic Kidney, Autosomal Dominant. Identifiers: MedGen C3149841, MONDO:0008263, OMIM 173900.

Submissions (4):

GeneDx
Classification: Likely pathogenic. Last evaluated: 2024-09-13. Review status: criteria provided, single submitter. Criteria: GeneDx Variant Classification Process June 2021. Collection method: clinical testing. Allele origin: germline. Affected: yes.
Comment: Published functional studies demonstrate a damaging effect on channel activity (PMID: 29931260); In-frame deletion of one amino acid in a non-repeat region; Not observed at significant frequency in large population cohorts (gnomAD); This variant is associated with the following publications: (PMID: 37023534, 32305667, 29931260, 10647901)

Fulgent Genetics
Classification: Likely pathogenic for Polycystic kidney disease, adult type. Last evaluated: 2024-03-26. Review status: criteria provided, single submitter. Criteria: ACMG Guidelines, 2015. Collection method: clinical testing. Allele origin: germline.

Blueprint Genetics
Classification: Pathogenic for PKD1-related disorders. Last evaluated: 2021-11-17. Review status: criteria provided, single submitter. Criteria: ACMG Guidelines, 2015. Collection method: clinical testing. Allele origin: germline. Affected: yes. Observed: 2 variant alleles.

Juno Genomics, Hangzhou Juno Genomics, Inc
Classification: Likely pathogenic for Polycystic kidney disease, adult type. Review status: criteria provided, single submitter. Criteria: ACMG Guidelines, 2015. Collection method: clinical testing. Allele origin: germline. Affected: yes.
Comment: Absent from controls (or at extremely low frequency if recessive) in Genome Aggregation Database, Exome Sequencing Project, 1000 Genomes Project, or Exome Aggregation Consortium.;Protein length changes due to in-frame deletions/insertions in a non-repeat region or stop-loss variants.;Co-segregation with disease in multiple affected family members in a gene definitively known to cause the disease.;Patient's phenotype or family history is highly specific for a disease with a single genetic etiology.;The prevalence of the variant in affected individuals is significantly increased compared to the prevalence in controls.

NM_001009944.3(PKD1):c.12393GTT[1] (p.Leu4132del)

Gene: PKD1 (polycystin 1, transient receptor potential channel interacting; minus strand). Cytogenetic location: 16p13.3.
Variant type: Microsatellite.
Coding change: c.12393GTT[1] on transcript NM_001009944.3 (MANE Select); one copy of the 3-base unit GTT starting at c.12393; the reference has two copies in a row; one copy, 3 bases deleted; also written c.12396_12398del.
Protein change: p.Leu4132del; deletes leucine 4132.
Molecular consequence: inframe deletion. On other transcripts: inframe indel (1).
Genome position (GRCh38, 1-based): chr16:2,090,331-2,090,333, AAC deleted on the plus strand (GTT on the coding strand, the reverse complement: PKD1 is on the minus strand); deleting any 3 consecutive bases within chr16:2,090,331-2,090,336 gives the same sequence; the position shown is the placement nearest the transcript's 3' end. VCF-style (leftmost placement, unchanged base first): chr16-2090330-GAAC-G. GRCh37 (hg19) VCF-style: chr16-2140331-GAAC-G.
Other names: c.12396_12398del (NM_001009944.2, NM_001009944.3); c.12390GTT[1], p.Leu4131del (NM_000296.4); c.12393_12395GTT[1], p.Leu4132del (NM_001009944.2); short protein forms L4131del, L4132del.
Identifiers: ClinVar variation 3383061 (VCV003383061.5).